The following is an entry in ClinVar:

ClinVar aggregate classification (germline): Likely pathogenic. Review status: criteria provided, multiple submitters, no conflicts (2 of 4 stars). 2 submissions from 2 submitters: Likely pathogenic (2). Last evaluated 2024-09-29.

Conditions:
Joubert syndrome 20 (JBTS20). Identifiers: Orphanet 475, MedGen C3554235, MONDO:0013994, OMIM 614970.
TMEM231-related disorder. Also called: TMEM231-related condition.

Submissions (2):

3billion
Classification: Likely pathogenic for Joubert syndrome 20. Last evaluated: 2024-09-29. Review status: criteria provided, single submitter. Criteria: ACMG Guidelines, 2015. Collection method: clinical testing. Allele origin: germline. Affected: yes.
Comment: The variant is not observed in the gnomAD v4.1.0 dataset. Predicted Consequence/Location: Stop-gained (nonsense): predicted to result in a loss or disruption of normal protein function through nonsense-mediated decay (NMD) or protein truncation. Multiple pathogenic variants are reported downstream of the variant. Therefore, this variant is classified as Likely pathogenic according to the recommendation of ACMG/AMP guideline.

Blueprint Genetics
Classification: Likely pathogenic for TMEM231-related disorders. Last evaluated: 2019-11-08. Review status: criteria provided, single submitter. Criteria: ACMG Guidelines, 2015. Collection method: clinical testing. Allele origin: germline. Affected: yes. Observed: 1 variant allele.

NM_001077418.3(TMEM231):c.249G>A (p.Trp83Ter)

Gene: TMEM231 (transmembrane protein 231; minus strand). Cytogenetic location: 16q23.1.
Variant type: single nucleotide variant.
Coding change: c.249G>A on transcript NM_001077418.3 (MANE Select); coding-DNA position 249, G replaced by A.
Protein change: p.Trp83Ter; replaces tryptophan 83 with a stop codon.
Molecular consequence: nonsense. On other transcripts: non-coding transcript variant (1).
Genome position (GRCh38, 1-based): chr16:75,555,864, C>T on the plus strand (G>A on the coding strand, the complement: TMEM231 is on the minus strand). VCF-style: chr16-75555864-C-T. GRCh37 (hg19) VCF-style: chr16-75589762-C-T.
Other names: c.408G>A, p.Trp136Ter (NM_001077416.2); short protein forms W136*, W83*.
Identifiers: ClinVar variation 4293265 (VCV004293265.2).
Genomic context (GRCh38, chr16:75,555,864, plus strand): 5'-CGAAACGAGCGGGACGCGCAGGCGATCCCCTTGCAGCCGGTTGAAGGCGGGGAACGTGCT[C>T]CAGGCGAGGAACCCGTCGCTTTCGGGTCCGAGCAGGGCCACGAGCAGCACCTGGTGTTGG-3'